The following is an entry in ClinVar:

ClinVar aggregate classification (germline): Uncertain significance. Review status: criteria provided, multiple submitters, no conflicts (2 of 4 stars). 2 submissions from 2 submitters: Uncertain significance (2). Last evaluated 2025-03-19.

Allele frequency attached by ClinVar (database versions not stated): gnomAD 0.00001.
gnomAD v4.1: 10 of 1,610,828 alleles (0.00062%); highest among the groups gnomAD compares: African/African-American, 0.0013%; no homozygotes.

Submissions (2):

Dasa
Classification: Uncertain significance. Last evaluated: 2025-03-19. Review status: criteria provided, single submitter. Criteria: DASA Assertion Criteria. Collection method: clinical testing. Allele origin: germline.
Comment: NM_054027.6(ANKH):c.96+5G>A is a splice-region variant. This variant is rare in population databases. Computational prediction algorithms are consistent with a benign effect. The currently available literature and clinical evidence are not sufficient to establish a definitive association between this variant and the reported condition. Therefore, this variant is classified as a variant of uncertain significance.

Labcorp Genetics (formerly Invitae), Labcorp
Classification: Uncertain significance. Last evaluated: 2024-10-17. Review status: criteria provided, single submitter. Criteria: Invitae Variant Classification Sherloc (09022015). Collection method: clinical testing. Allele origin: germline.
Comment: This sequence change falls in intron 1 of the ANKH gene. It does not directly change the encoded amino acid sequence of the ANKH protein. It affects a nucleotide within the consensus splice site. This variant is present in population databases (no rsID available, gnomAD 0.005%). This variant has not been reported in the literature in individuals affected with ANKH-related conditions. ClinVar contains an entry for this variant (Variation ID: 2183130). Variants that disrupt the consensus splice site are a relatively common cause of aberrant splicing (PMID: 17576681, 9536098). Algorithms developed to predict the effect of sequence changes on RNA splicing suggest that this variant is not likely to affect RNA splicing. In summary, the available evidence is currently insufficient to determine the role of this variant in disease. Therefore, it has been classified as a Variant of Uncertain Significance.

Literature cited by the submitters: PubMed 17576681 (cited by Labcorp Genetics (formerly Invitae), Labcorp); PubMed 9536098 (cited by Labcorp Genetics (formerly Invitae), Labcorp).

NM_054027.6(ANKH):c.96+5G>A

Gene: ANKH (ANKH inorganic pyrophosphate transport regulator; minus strand). Cytogenetic location: 5p15.2.
Variant type: single nucleotide variant.
Coding change: c.96+5G>A on transcript NM_054027.6 (MANE Select); 5 bases into the intron after coding-DNA position 96, G replaced by A.
Molecular consequence: intron variant.
Genome position (GRCh38, 1-based): chr5:14,871,347, C>T on the plus strand (G>A on the coding strand, the complement: ANKH is on the minus strand). VCF-style: chr5-14871347-C-T. GRCh37 (hg19) VCF-style: chr5-14871456-C-T.
Identifiers: ClinVar variation 2183130 (VCV002183130.6), dbSNP rs928164677, ClinGen allele CA114769614.
Genomic context (GRCh38, chr5:14,871,347, plus strand): 5'-CCCGTGTCCGGGCGTGTAAGGCCAAGGCAGGGCGAGCGGGCGTGGGGCGCGGGGCCGGGG[C>T]TTACCTGCTCCCCGAAGTCGATGGCTATGTTGGTGATGCCCAGGGGCACCAAGAACCGGA-3'